The following is an entry in ClinVar:

ClinVar aggregate classification (germline): Uncertain significance. Review status: criteria provided, multiple submitters, no conflicts (2 of 4 stars). 3 submissions from 3 submitters: Uncertain significance (3). Last evaluated 2025-10-21.

Conditions:
Hereditary cancer-predisposing syndrome. Also called: Tumor predisposition; Hereditary Cancer Syndrome; Hereditary neoplastic syndrome; Neoplastic Syndromes, Hereditary. Identifiers: Orphanet 140162, MedGen C0027672, MeSH D009386, MONDO:0015356.
Familial adenomatous polyposis 3. Also called: NTHL1-associated polyposis; NTHL1 Tumor Syndrome; NTHL1-Related Adenomatous Polyposis and Colorectal Cancer; NTHL1-related attenuated familial adenomatous polyposis. Identifiers: Orphanet 220460, Orphanet 454840, MedGen C4225157, MONDO:0014630, OMIM 616415.

Allele frequency attached by ClinVar (database versions not stated): gnomAD exomes below 0.00001.
gnomAD v4.1: 2 of 1,612,294 alleles (0.00012%); highest among the groups gnomAD compares: East Asian, 0.0022%; no homozygotes.

Submissions (3):

Ambry Genetics
Classification: Uncertain significance for Hereditary cancer-predisposing syndrome. Last evaluated: 2025-10-21. Review status: criteria provided, single submitter. Criteria: Ambry Variant Classification Scheme 2023. Collection method: clinical testing. Allele origin: germline.
Comment: The p.Q145L variant (also known as c.434A>T), located in coding exon 3 of the NTHL1 gene, results from an A to T substitution at nucleotide position 434. The glutamine at codon 145 is replaced by leucine, an amino acid with dissimilar properties. This amino acid position is conserved. In addition, this alteration is predicted to be deleterious by in silico analysis. Based on the available evidence, the clinical significance of this variant remains unclear.

Baylor Genetics
Classification: Uncertain significance for Familial adenomatous polyposis 3. Last evaluated: 2023-09-07. Review status: criteria provided, single submitter. Criteria: ACMG Guidelines, 2015. Collection method: clinical testing. Allele origin: unknown.

Labcorp Genetics (formerly Invitae), Labcorp
Classification: Uncertain significance. Last evaluated: 2022-09-11. Review status: criteria provided, single submitter. Criteria: Invitae Variant Classification Sherloc (09022015). Collection method: clinical testing. Allele origin: germline.
Comment: This sequence change replaces glutamine, which is neutral and polar, with leucine, which is neutral and non-polar, at codon 145 of the NTHL1 protein (p.Gln145Leu). This variant is not present in population databases (gnomAD no frequency). This variant has not been reported in the literature in individuals affected with NTHL1-related conditions. ClinVar contains an entry for this variant (Variation ID: 838915). Algorithms developed to predict the effect of missense changes on protein structure and function are either unavailable or do not agree on the potential impact of this missense change (SIFT: "Not Available"; PolyPhen-2: "Possibly Damaging"; Align-GVGD: "Not Available"). In summary, the available evidence is currently insufficient to determine the role of this variant in disease. Therefore, it has been classified as a Variant of Uncertain Significance.

NM_002528.7(NTHL1):c.410A>T (p.Gln137Leu)

Gene: NTHL1 (nth like DNA glycosylase 1; minus strand). Cytogenetic location: 16p13.3.
Variant type: single nucleotide variant.
Coding change: c.410A>T on transcript NM_002528.7 (MANE Select); coding-DNA position 410, A replaced by T.
Protein change: p.Gln137Leu; replaces glutamine 137 with leucine.
Molecular consequence: missense variant. On other transcripts: intron variant (1).
Genome position (GRCh38, 1-based): chr16:2,044,745, T>A on the plus strand (A>T on the coding strand, the complement: NTHL1 is on the minus strand). VCF-style: chr16-2044745-T-A. GRCh37 (hg19) VCF-style: chr16-2094746-T-A.
Other names: c.80A>T, p.Gln27Leu (NM_001318194.2); c.355-1019A>T (NM_001318193.2); c.434A>T (NM_002528.5); short protein forms Q137L, Q27L.
Identifiers: ClinVar variation 838915 (VCV000838915.6), dbSNP rs2084318917, ClinGen allele CA394294488.